The following is an entry in ClinVar:

NM_020937.4(FANCM):c.4727A>G (p.Asn1576Ser)

Gene: FANCM (FA complementation group M; plus strand). Cytogenetic location: 14q21.2.
Variant type: single nucleotide variant.
Coding change: c.4727A>G on transcript NM_020937.4 (MANE Select); coding-DNA position 4727, A replaced by G.
Protein change: p.Asn1576Ser; replaces asparagine 1576 with serine.
Molecular consequence: missense variant.
Genome position (GRCh38, 1-based): chr14:45,187,835, A>G. VCF-style: chr14-45187835-A-G. GRCh37 (hg19) VCF-style: chr14-45657038-A-G.
Other names: c.4727A>G (NM_020937.3, LRG_502t1); c.4649A>G, p.Asn1550Ser (NM_001308133.2); short protein forms N1576S, N1550S.
Identifiers: ClinVar variation 643785 (VCV000643785.13), dbSNP rs748182153, ClinGen allele CA7169845.

ClinVar aggregate classification (germline): Conflicting classifications of pathogenicity. Review status: criteria provided, conflicting classifications (1 of 4 stars). 5 submissions from 5 submitters: Uncertain significance (4); Likely benign (1). Last evaluated 2024-10-30.

Conditions:
Spermatogenic failure 28. Identifiers: MedGen C4748117, MONDO:0054732, OMIM 618086.
Premature ovarian failure 15. Identifiers: MedGen C4748170, MONDO:0054862, OMIM 618096.
Fanconi anemia (FA). Also called: Fanconi's anemia. Identifiers: Orphanet 84, MedGen C0015625, MeSH D005199, MONDO:0019391.

Allele frequency attached by ClinVar (database versions not stated): ExAC 0.00001; gnomAD 0.00001; gnomAD exomes 0.00001; TOPMed 0.00001.
gnomAD v4.1: 12 of 1,581,594 alleles (0.00076%); highest among the groups gnomAD compares: Middle Eastern, 0.033%; no homozygotes.

Submissions (5):

Labcorp Genetics (formerly Invitae), Labcorp
Classification: Uncertain significance for Fanconi anemia. Last evaluated: 2024-10-30. Review status: criteria provided, single submitter. Criteria: Invitae Variant Classification Sherloc (09022015). Collection method: clinical testing. Allele origin: germline.
Comment: This sequence change replaces asparagine, which is neutral and polar, with serine, which is neutral and polar, at codon 1576 of the FANCM protein (p.Asn1576Ser). This variant is present in population databases (rs748182153, gnomAD no frequency). This variant has not been reported in the literature in individuals affected with FANCM-related conditions. ClinVar contains an entry for this variant (Variation ID: 643785). An algorithm developed to predict the effect of missense changes on protein structure and function outputs the following: PolyPhen-2: "Benign". The serine amino acid residue is found in multiple mammalian species, which suggests that this missense change does not adversely affect protein function. Algorithms developed to predict the effect of sequence changes on RNA splicing suggest that this variant may disrupt the consensus splice site. In summary, the available evidence is currently insufficient to determine the role of this variant in disease. Therefore, it has been classified as a Variant of Uncertain Significance.

Fulgent Genetics
Classification: Uncertain significance for Spermatogenic failure 28; Premature ovarian failure 15. Last evaluated: 2024-01-23. Review status: criteria provided, single submitter. Criteria: ACMG Guidelines, 2015. Collection method: clinical testing. Allele origin: germline.

Blueprint Genetics
Classification: Likely benign. Last evaluated: 2023-03-03. Review status: criteria provided, single submitter. Criteria: ACMG Guidelines, 2015. Collection method: clinical testing. Allele origin: germline.

GeneDx
Classification: Uncertain significance. Last evaluated: 2023-02-15. Review status: criteria provided, single submitter. Criteria: GeneDx Variant Classification Process June 2021. Collection method: clinical testing. Allele origin: germline. Affected: yes.
Comment: Not observed at significant frequency in large population cohorts (gnomAD); In silico analysis supports a deleterious effect on splicing; In silico analysis supports that this missense variant does not alter protein structure/function; Has not been previously published as pathogenic or benign to our knowledge

Quest Diagnostics Nichols Institute San Juan Capistrano
Classification: Uncertain significance. Last evaluated: 2022-11-17. Review status: criteria provided, single submitter. Criteria: Quest Diagnostics criteria. Collection method: clinical testing. Allele origin: unknown.
Comment: The frequency of this variant in the general population, 0.000008 (2/250630 chromosomes), is uninformative in assessment of its pathogenicity. In the published literature, the variant has been reported in a large breast cancer association in both affected individuals with breast cancer and unaffected individuals (PMID: 33471991 (2021)). Analysis of this variant using a bioinformatics tool for the prediction of the effect of amino acid changes on protein structure and function yielded a prediction that this variant is benign. Based on the available information, we are unable to determine the clinical significance of this variant.

Literature cited by the submitters: PubMed 33471991 (cited by Quest Diagnostics Nichols Institute San Juan Capistrano).